The following is an entry in ClinVar:

ClinVar aggregate classification (germline): Uncertain significance (1 of 4 stars; one submission).

gnomAD v4.1: 1 of 1,523,442 alleles (0.000066%); highest among the groups gnomAD compares: Non-Finnish European, 0.000088%; no homozygotes.

Submission:

GeneDx
Classification: Uncertain significance. Last evaluated: 2025-09-19. Review status: criteria provided, single submitter. Criteria: GeneDx Variant Classification Process June 2021. Collection method: clinical testing. Allele origin: germline. Affected: yes.
Comment: Not observed at significant frequency in large population cohorts (gnomAD); In silico analysis suggests that this variant does not alter splicing; Has not been previously published as pathogenic or benign to our knowledge; Reported using an alternate transcript of the gene

NM_001326342.2(CELF2):c.55C>G (p.Leu19Val)

Gene: CELF2 (CUGBP Elav-like family member 2; plus strand). Cytogenetic location: 10p14.
Variant type: single nucleotide variant.
Coding change: c.55C>G on transcript NM_001326342.2 (MANE Select); coding-DNA position 55, C replaced by G.
Protein change: p.Leu19Val; replaces leucine 19 with valine.
Molecular consequence: missense variant. On other transcripts: intron variant (24).
Genome position (GRCh38, 1-based): chr10:11,018,144, C>G. VCF-style: chr10-11018144-C-G. GRCh37 (hg19) VCF-style: chr10-11060107-C-G.
Other names: c.55C>G, p.Leu19Val (NM_001326340.2, NM_001326341.2, NM_001326343.2 and 4 more transcripts); c.-20+98145C>G (NM_001326323.2, NM_001326320.2, NM_001326321.2 and 4 more transcripts); c.-20+77690C>G (NM_001326319.2); c.146+98145C>G (NM_001326325.2); c.89+98145C>G (NM_001326327.2, NM_001326326.2); c.-20+13146C>G (NM_001326330.2, NM_001326329.2); c.-205+12704C>G (NM_001326334.2); c.53+12704C>G (NM_001326336.2, NM_001326335.2, NM_001326337.2 and 4 more transcripts); and 2 more; short protein forms L19V.
Identifiers: ClinVar variation 4813902 (VCV004813902.1).